The following is an entry in ClinVar:

ClinVar aggregate classification (germline): Pathogenic/Likely pathogenic. Review status: criteria provided, multiple submitters, no conflicts (2 of 4 stars). 3 submissions from 3 submitters: Pathogenic (2); Likely pathogenic (1). Last evaluated 2022-11-07.

Conditions:
Sialuria. Also called: Sialic Acid Storage Disease; SIALURIA, FRENCH TYPE. Identifiers: Orphanet 3166, MedGen C0342853, MONDO:0010028, OMIM 269921.
GNE myopathy (NM). Also called: INCLUSION BODY MYOPATHY, HEREDITARY, AUTOSOMAL RECESSIVE; INCLUSION BODY MYOPATHY 2, AUTOSOMAL RECESSIVE; MYOPATHY, DISTAL, WITH OR WITHOUT RIMMED VACUOLES; IBM 2; Inclusion body myopathy autosomal recessive; Inclusion body myopathy quadriceps sparing. Identifiers: Orphanet 602, MedGen C1853926, MONDO:0011603, OMIM 605820.

Allele frequency attached by ClinVar (database versions not stated): gnomAD exomes below 0.00001.
gnomAD v4.1: 4 of 1,612,802 alleles (0.00025%); highest among the groups gnomAD compares: Non-Finnish European, 0.00034%; no homozygotes.

Submissions (3):

Labcorp Genetics (formerly Invitae), Labcorp
Classification: Pathogenic for Sialuria; GNE myopathy. Last evaluated: 2022-11-07. Review status: criteria provided, single submitter. Criteria: Invitae Variant Classification Sherloc (09022015). Collection method: clinical testing. Allele origin: germline.
Comment: For these reasons, this variant has been classified as Pathogenic. This variant disrupts a region of the GNE protein in which other variant(s) (p.Met743Thr) have been determined to be pathogenic (PMID: 11528398, 15147877, 15670773, 20300792, 23278550). This suggests that this is a clinically significant region of the protein, and that variants that disrupt it are likely to be disease-causing. ClinVar contains an entry for this variant (Variation ID: 281593). This variant has not been reported in the literature in individuals affected with GNE-related conditions. This variant is present in population databases (no rsID available, gnomAD 0.0009%). This sequence change creates a premature translational stop signal (p.Gln670*) in the GNE gene. While this is not anticipated to result in nonsense mediated decay, it is expected to disrupt the last 84 amino acid(s) of the GNE protein.

Revvity Omics, Revvity
Classification: Likely pathogenic. Last evaluated: 2021-10-12. Review status: criteria provided, single submitter. Criteria: ACMG Guidelines, 2015. Collection method: clinical testing. Allele origin: germline.

Eurofins Ntd Llc (ga)
Classification: Pathogenic. Last evaluated: 2017-01-13. Review status: criteria provided, single submitter. Criteria: EGL Classification Definitions 2015. Collection method: clinical testing. Allele origin: germline. Observed: 2 variant alleles, 2 heterozygotes.

Literature cited by the submitters: PubMed 11528398 (cited by Labcorp Genetics (formerly Invitae), Labcorp); PubMed 15147877 (cited by Labcorp Genetics (formerly Invitae), Labcorp); PubMed 15670773 (cited by Labcorp Genetics (formerly Invitae), Labcorp); PubMed 20300792 (cited by Labcorp Genetics (formerly Invitae), Labcorp); PubMed 23278550 (cited by Labcorp Genetics (formerly Invitae), Labcorp).

NM_005476.7(GNE):c.1915C>T (p.Gln639Ter)

Gene: GNE (glucosamine (UDP-N-acetyl)-2-epimerase/N-acetylmannosamine kinase; minus strand). Cytogenetic location: 9p13.3.
Variant type: single nucleotide variant.
Coding change: c.1915C>T on transcript NM_005476.7 (MANE Select); coding-DNA position 1915, C replaced by T.
Protein change: p.Gln639Ter; replaces glutamine 639 with a stop codon.
Molecular consequence: nonsense.
Genome position (GRCh38, 1-based): chr9:36,218,201, G>A on the plus strand (C>T on the coding strand, the complement: GNE is on the minus strand). VCF-style: chr9-36218201-G-A. GRCh37 (hg19) VCF-style: chr9-36218198-G-A.
Other names: c.2008C>T, p.Gln670Ter (NM_001128227.3); c.1693C>T, p.Gln565Ter (NM_001190383.3); c.1585C>T, p.Gln529Ter (NM_001190384.3); c.1738C>T, p.Gln580Ter (NM_001190388.2, NM_001374798.1); c.1762C>T, p.Gln588Ter (NM_001374797.1); short protein forms Q670*, Q639*, Q529*, Q565*, Q580*, Q588*.
Identifiers: ClinVar variation 281593 (VCV000281593.13), dbSNP rs886042195, ClinGen allele CA10603921.